The following is an entry in ClinVar:

NC_000003.12:g.108529575T>A

Gene: MYH15 (myosin heavy chain 15; minus strand). Cytogenetic location: 3q13.13.
Variant type: single nucleotide variant.
Genome position: GRCh38 VCF-style: chr3-108529575-T-A. GRCh37 (hg19) VCF-style: chr3-108248422-T-A.
Identifiers: ClinVar variation 1283838 (VCV001283838.2), dbSNP rs9288876, ClinGen allele CA11600448.

ClinVar aggregate classification (germline): Benign (1 of 4 stars; one submission).

Allele frequency attached by ClinVar (database versions not stated): gnomAD 0.20821 and 0.20895; TOPMed 0.21366; 1000 Genomes Project 30x 0.25281; 1000 Genomes Project 0.25439.
gnomAD v4.1: 31,707 of 152,040 alleles (21%); highest among the groups gnomAD compares: East Asian, 35%; 3,748 homozygotes.

Submission:

GeneDx
Classification: Benign. Last evaluated: 2019-10-17. Review status: criteria provided, single submitter. Criteria: GeneDx Variant Classification Process June 2021. Collection method: clinical testing. Allele origin: germline. Affected: yes.
Comment: This variant is associated with the following publications: (PMID: 30906771)